The following is an entry in ClinVar:

ClinVar aggregate classification (germline): Uncertain significance. Review status: criteria provided, multiple submitters, no conflicts (2 of 4 stars). 5 submissions from 5 submitters: Uncertain significance (5). Last evaluated 2025-12-06.

Conditions:
Fanconi anemia (FA). Also called: Fanconi's anemia. Identifiers: Orphanet 84, MedGen C0015625, MeSH D005199, MONDO:0019391.
Fanconi anemia complementation group D2. Also called: FANCD2-Related Fanconi Anemia; FANCONI PANCYTOPENIA, TYPE 4; FANCONI ANEMIA, COMPLEMENTATION GROUP D. Identifiers: Orphanet 84, MedGen C3160738, MONDO:0009214, OMIM 227646.

Allele frequency attached by ClinVar (database versions not stated): gnomAD 0.00003 and 0.00004; gnomAD exomes 0.00006; ExAC 0.00008; TOPMed 0.00008.

Submissions (5):

Labcorp Genetics (formerly Invitae), Labcorp
Classification: Uncertain significance for Fanconi anemia. Last evaluated: 2025-12-06. Review status: criteria provided, single submitter. Criteria: Invitae Variant Classification Sherloc (09022015). Collection method: clinical testing. Allele origin: germline.
Comment: This sequence change replaces asparagine, which is neutral and polar, with serine, which is neutral and polar, at codon 791 of the FANCD2 protein (p.Asn791Ser). This variant is present in population databases (rs758718558, gnomAD 0.1%). This variant has not been reported in the literature in individuals affected with FANCD2-related conditions. ClinVar contains an entry for this variant (Variation ID: 435145). Invitae Evidence Modeling of protein sequence and biophysical properties (such as structural, functional, and spatial information, amino acid conservation, physicochemical variation, residue mobility, and thermodynamic stability) indicates that this missense variant is expected to disrupt FANCD2 protein function with a positive predictive value of 80%. In summary, the available evidence is currently insufficient to determine the role of this variant in disease. Therefore, it has been classified as a Variant of Uncertain Significance.

Women's Health and Genetics/Laboratory Corporation of America, LabCorp
Classification: Uncertain significance. Last evaluated: 2024-02-15. Review status: criteria provided, single submitter. Criteria: LabCorp Variant Classification Summary - May 2015. Collection method: clinical testing. Allele origin: germline.
Comment: Variant summary: FANCD2 c.2372A>G (p.Asn791Ser) results in a conservative amino acid change in the encoded protein sequence. Three of five in-silico tools predict a damaging effect of the variant on protein function. The variant allele was found at a frequency of 1.1e-05 in 1604192 control chromosomes (gnomAD). This frequency is not significantly higher than estimated for a pathogenic variant in FANCD2 causing Fanconi Anemia (1.1e-05 vs 0.00048), allowing no conclusion about variant significance. c.2372A>G has been reported in the literature in an individual affected with Fanconi Anemia (Chang_2023). This report does not provide unequivocal conclusions about association of the variant with Fanconi Anemia. To our knowledge, no experimental evidence demonstrating an impact on protein function has been reported. The following publication has been ascertained in the context of this evaluation (PMID: 36463940). ClinVar contains an entry for this variant (Variation ID: 435145). Based on the evidence outlined above, the variant was classified as uncertain significance.

Blueprint Genetics
Classification: Uncertain significance. Last evaluated: 2022-10-11. Review status: criteria provided, single submitter. Criteria: ACMG Guidelines, 2015. Collection method: clinical testing. Allele origin: germline.

Fulgent Genetics
Classification: Uncertain significance for Fanconi anemia complementation group D2. Last evaluated: 2022-01-05. Review status: criteria provided, single submitter. Criteria: ACMG Guidelines, 2015. Collection method: clinical testing. Allele origin: unknown.

Genetic Services Laboratory, University of Chicago
Classification: Uncertain significance. Last evaluated: 2016-05-27. Review status: criteria provided, single submitter. Criteria: ACMG Guidelines, 2015. Collection method: clinical testing. Allele origin: germline. Affected: no.

Literature cited by the submitters: PubMed 36463940 (cited by Women's Health and Genetics/Laboratory Corporation of America, LabCorp).

NM_001018115.3(FANCD2):c.2372A>G (p.Asn791Ser)

Genes: FANCD2 (FA complementation group D2; plus strand), LOC107303338 (3p25 FANCD2 Alu-mediated recombination region; plus strand). Cytogenetic location: 3p25.3.
Variant type: single nucleotide variant.
Coding change: c.2372A>G on transcript NM_001018115.3 (MANE Select); coding-DNA position 2372, A replaced by G.
Protein change: p.Asn791Ser; replaces asparagine 791 with serine.
Molecular consequence: missense variant.
Genome position (GRCh38, 1-based): chr3:10,065,966, A>G. VCF-style: chr3-10065966-A-G. GRCh37 (hg19) VCF-style: chr3-10107650-A-G.
Other names: c.2372A>G, p.Asn791Ser (NM_001319984.2, NM_001374254.1, NM_033084.6); c.2261A>G, p.Asn754Ser (NM_001374253.1); short protein forms N791S, N754S.
Identifiers: ClinVar variation 435145 (VCV000435145.17), dbSNP rs758718558, ClinGen allele CA2250048.
Genomic context (GRCh38, chr3:10,065,966, plus strand): 5'-TGGAGTCCATGTCTGCTAAAGAGCGTTCATTCATGTGTTCTCTCATATTTCTTACTCTCA[A>G]CTGGTTCCGAGAGGTGAGCAGAGTTAATAGGATGTTTCACTTATTGTGCATAGTTTTTCT-3'
Protein context (NP_001018125.1, residues 781-801): FMCSLIFLTL[Asn791Ser]WFREIVNAFC